The following is an entry in ClinVar:

ClinVar aggregate classification (germline): Conflicting classifications of pathogenicity. Review status: criteria provided, conflicting classifications (1 of 4 stars). 2 submissions from 2 submitters: Likely pathogenic (1); Uncertain significance (1). Last evaluated 2024-03-25.

Conditions:
Developmental and epileptic encephalopathy, 25 (DEE25). Also called: Epileptic encephalopathy, early infantile, 25; Developmental and epileptic encephalopathy 25, with amelogenesis imperfecta; Epileptic encephalopathy, early infantile, 25, with amelogenesis imperfecta. Identifiers: Orphanet 442835, MedGen C4014621, MONDO:0014392, OMIM 615905.

Submissions (2):

Genomic Medicine Center of Excellence, King Faisal Specialist Hospital and Research Centre
Classification: Uncertain significance for Developmental and epileptic encephalopathy, 25. Last evaluated: 2024-03-25. Review status: criteria provided, single submitter. Criteria: ACMG Guidelines, 2015. Collection method: research. Allele origin: germline.

Baylor Genetics
Classification: Likely pathogenic for Developmental and epileptic encephalopathy, 25. Last evaluated: 2020-02-23. Review status: criteria provided, single submitter. Criteria: ACMG Guidelines, 2015. Collection method: clinical testing. Allele origin: unknown. Affected: yes.
Comment: This variant was determined to be likely pathogenic according to ACMG Guidelines, 2015 [PMID:25741868].

NM_177550.5(SLC13A5):c.785T>C (p.Leu262Pro)

Gene: SLC13A5 (solute carrier family 13 member 5; minus strand). Cytogenetic location: 17p13.1.
Variant type: single nucleotide variant.
Coding change: c.785T>C on transcript NM_177550.5 (MANE Select); coding-DNA position 785, T replaced by C.
Protein change: p.Leu262Pro; replaces leucine 262 with proline.
Molecular consequence: missense variant.
Genome position (GRCh38, 1-based): chr17:6,701,058, A>G on the plus strand (T>C on the coding strand, the complement: SLC13A5 is on the minus strand). VCF-style: chr17-6701058-A-G. GRCh37 (hg19) VCF-style: chr17-6604377-A-G.
Other names: c.785T>C, p.Leu262Pro (NM_001143838.3); c.734T>C, p.Leu245Pro (NM_001284509.2); c.656T>C, p.Leu219Pro (NM_001284510.2); short protein forms L245P, L219P, L262P.
Identifiers: ClinVar variation 1030356 (VCV001030356.3), dbSNP rs1973699059, ClinGen allele CA397747093.